The following is an entry in ClinVar:

NM_001943.5(DSG2):c.697A>G (p.Ser233Gly)

Gene: DSG2 (desmoglein 2; plus strand). Cytogenetic location: 18q12.1.
Variant type: single nucleotide variant.
Coding change: c.697A>G on transcript NM_001943.5 (MANE Select); coding-DNA position 697, A replaced by G.
Protein change: p.Ser233Gly; replaces serine 233 with glycine.
Molecular consequence: missense variant.
Genome position (GRCh38, 1-based): chr18:31,524,454, A>G. VCF-style: chr18-31524454-A-G. GRCh37 (hg19) VCF-style: chr18-29104417-A-G.
Other names: short protein forms S233G.
Identifiers: ClinVar variation 1015606 (VCV001015606.8), dbSNP rs2073148481, ClinGen allele CA402134843.
Genomic context (GRCh38, chr18:31,524,454, plus strand): 5'-CAGATGTAAGAGTGACTCTTTTCACCCAGCTGGACATTTTTCATTGCTCTGCAGGAACAC[A>G]GCAGCTACACTTTGACAGTAGAAGCAAGAGATGGCAATGGAGAAGTTACAGACAAACCTG-3'
Protein context (NP_001934.2, residues 223-243): TSVTLDREEH[Ser233Gly]SYTLTVEARD

ClinVar aggregate classification (germline): Uncertain significance. Review status: criteria provided, multiple submitters, no conflicts (2 of 4 stars). 2 submissions from 2 submitters: Uncertain significance (2). Last evaluated 2025-08-14.

Conditions:
Arrhythmogenic right ventricular dysplasia 10. Also called: ARRHYTHMOGENIC RIGHT VENTRICULAR DYSPLASIA, FAMILIAL, 10; Arrhythmogenic Right Ventricular Dysplasia/Cardiomyopathy10; Arrhythmogenic right ventricular dysplasia/cardiomyopathy, type 10. Identifiers: MedGen C1857777, MONDO:0012434, OMIM 610193.
Cardiomyopathy (CMYO). Also called: Cardiomyopathies. Identifiers: Orphanet 167848, MedGen C0878544, MONDO:0004994, HP:0001638. Inheritance: Various modes of inheritance.

Submissions (2):

Color Diagnostics, LLC DBA Color Health
Classification: Uncertain significance for Cardiomyopathy. Last evaluated: 2025-08-14. Review status: criteria provided, single submitter. Criteria: ACMG Guidelines, 2015. Collection method: clinical testing. Allele origin: germline.
Comment: This missense variant replaces serine with glycine at codon 233 of the DSG2 protein. Computational prediction suggests that this variant may not impact protein structure and function. To our knowledge, functional studies have not been reported for this variant. This variant has not been reported in individuals affected with DSG2-related disorders in the literature. This variant has not been identified in the general population by the Genome Aggregation Database (gnomAD). The available evidence is insufficient to determine the role of this variant in disease conclusively. Therefore, this variant is classified as a Variant of Uncertain Significance.

Labcorp Genetics (formerly Invitae), Labcorp
Classification: Uncertain significance for Arrhythmogenic right ventricular dysplasia 10. Last evaluated: 2020-07-16. Review status: criteria provided, single submitter. Criteria: Invitae Variant Classification Sherloc (09022015). Collection method: clinical testing. Allele origin: germline.
Comment: This sequence change replaces serine with glycine at codon 233 of the DSG2 protein (p.Ser233Gly). The serine residue is highly conserved and there is a small physicochemical difference between serine and glycine. This variant is not present in population databases (ExAC no frequency). This variant has not been reported in the literature in individuals with DSG2-related conditions. Algorithms developed to predict the effect of missense changes on protein structure and function are either unavailable or do not agree on the potential impact of this missense change (SIFT: "Deleterious"; PolyPhen-2: "Probably Damaging"; Align-GVGD: "Class C0"). In summary, the available evidence is currently insufficient to determine the role of this variant in disease. Therefore, it has been classified as a Variant of Uncertain Significance.